The following is an entry in ClinVar:

ClinVar aggregate classification (germline): Pathogenic/Likely pathogenic. Review status: criteria provided, multiple submitters, no conflicts (2 of 4 stars). 5 submissions from 5 submitters: Pathogenic (4); Likely pathogenic (1). Last evaluated 2025-07-06.

Conditions:
Inborn genetic diseases. Identifiers: MedGen C0950123, MeSH D030342.
PCNT-related disorder. Also called: PCNT-related condition.
Microcephalic osteodysplastic primordial dwarfism type II (MOPD2). Also called: Microcephalic osteodysplastic primordial dwarfism with tooth abnormalities; MOPD II; OSTEODYSPLASTIC PRIMORDIAL DWARFISM, TYPE II. Identifiers: Orphanet 2637, MedGen C0432246, MONDO:0008872, OMIM 210720.

Allele frequency attached by ClinVar (database versions not stated): gnomAD 0.00001; gnomAD exomes below 0.00001; TOPMed below 0.00001.

Submissions (5):

Labcorp Genetics (formerly Invitae), Labcorp
Classification: Pathogenic. Last evaluated: 2025-07-06. Review status: criteria provided, single submitter. Criteria: Invitae Variant Classification Sherloc (09022015). Collection method: clinical testing. Allele origin: germline.
Comment: This sequence change creates a premature translational stop signal (p.Leu1200Argfs*47) in the PCNT gene. It is expected to result in an absent or disrupted protein product. Loss-of-function variants in PCNT are known to be pathogenic (PMID: 18174396, 22821869). This variant is not present in population databases (gnomAD no frequency). This premature translational stop signal has been observed in individual(s) with PCNT-related conditions (PMID: 25356970). ClinVar contains an entry for this variant (Variation ID: 225019). For these reasons, this variant has been classified as Pathogenic.

Fulgent Genetics
Classification: Pathogenic for Microcephalic osteodysplastic primordial dwarfism type II. Last evaluated: 2022-02-27. Review status: criteria provided, single submitter. Criteria: ACMG Guidelines, 2015. Collection method: clinical testing. Allele origin: unknown.

Molecular Diagnostics Lab, Nemours Children's Health, Delaware
Classification: Pathogenic for Microcephalic osteodysplastic primordial dwarfism type II. Last evaluated: 2020-05-05. Review status: criteria provided, single submitter. Criteria: ACMG Guidelines, 2015. Collection method: clinical testing. Allele origin: unknown. Inheritance: Autosomal recessive inheritance. Affected: yes. Observed: 2 compound heterozygotes.

Blueprint Genetics
Classification: Likely pathogenic for PCNT-related disorders. Last evaluated: 2019-09-16. Review status: criteria provided, single submitter. Criteria: ACMG Guidelines, 2015. Collection method: clinical testing. Allele origin: germline. Affected: yes. Observed: 3 variant alleles.

Ambry Genetics
Classification: Pathogenic for Inborn genetic diseases. Last evaluated: 2013-10-24. Review status: criteria provided, single submitter. Criteria: Ambry Autosomal Dominant and X-Linked criteria (10/2015). Collection method: clinical testing. Allele origin: germline. Observed: 1 variant allele.

Literature cited by the submitters: PubMed 18174396 (cited by Labcorp Genetics (formerly Invitae), Labcorp); PubMed 22821869 (cited by Labcorp Genetics (formerly Invitae), Labcorp); PubMed 25356970 (cited by Labcorp Genetics (formerly Invitae), Labcorp).

NM_006031.6(PCNT):c.3594_3598dup (p.Leu1200fs)

Gene: PCNT (pericentrin; plus strand). Cytogenetic location: 21q22.3.
Variant type: Duplication.
Coding change: c.3594_3598dup on transcript NM_006031.6 (MANE Select); coding-DNA positions 3594 to 3598, 5 bases duplicated (GGCCC; older notation c.3594_3598dupGGCCC).
Protein change: p.Leu1200fs; shifts the reading frame from leucine 1200.
Molecular consequence: frameshift variant.
Genome position (GRCh38, 1-based): chr21:46,388,871-46,388,875, GGCCC duplicated. VCF-style (leftmost placement, unchanged base first): chr21-46388870-T-TGGCCC. GRCh37 (hg19) VCF-style: chr21-47808785-T-TGGCCC.
Other names: c.3240_3244dup, p.Leu1082fs (NM_001315529.2); c.3594_3598dupGGCCC (NM_006031.5); short protein forms L1082fs, L1200fs.
Identifiers: ClinVar variation 225019 (VCV000225019.10), dbSNP rs869312929, ClinGen allele CA358232.